The following is an entry in ClinVar:

ClinVar aggregate classification (germline): Conflicting classifications of pathogenicity. Review status: criteria provided, conflicting classifications (1 of 4 stars). 2 submissions from 2 submitters: Uncertain significance (1); Likely benign (1). Last evaluated 2026-01-28.

Conditions:
Inborn genetic diseases. Identifiers: MedGen C0950123, MeSH D030342.

Allele frequency attached by ClinVar (database versions not stated): TOPMed 0.00003; gnomAD 0.00005 and 0.00006; ExAC 0.00006; ESP Exome Variant Server 0.00008.
gnomAD v4.1: 53 of 1,613,818 alleles (0.0033%); highest among the groups gnomAD compares: African/African-American, 0.0093%; no homozygotes.

Submissions (2):

Labcorp Genetics (formerly Invitae), Labcorp
Classification: Uncertain significance. Last evaluated: 2026-01-28. Review status: criteria provided, single submitter. Criteria: Invitae Variant Classification Sherloc (09022015). Collection method: clinical testing. Allele origin: germline.
Comment: This sequence change replaces arginine, which is basic and polar, with cysteine, which is neutral and slightly polar, at codon 424 of the GATAD2B protein (p.Arg424Cys). This variant is present in population databases (rs368264266, gnomAD 0.02%). This variant has not been reported in the literature in individuals affected with GATAD2B-related conditions. ClinVar contains an entry for this variant (Variation ID: 1410043). Invitae Evidence Modeling of protein sequence and biophysical properties (such as structural, functional, and spatial information, amino acid conservation, physicochemical variation, residue mobility, and thermodynamic stability) indicates that this missense variant is not expected to disrupt GATAD2B protein function with a negative predictive value of 80%. In summary, the available evidence is currently insufficient to determine the role of this variant in disease. Therefore, it has been classified as a Variant of Uncertain Significance.

Ambry Genetics
Classification: Likely benign for Inborn genetic diseases. Last evaluated: 2024-12-03. Review status: criteria provided, single submitter. Criteria: Ambry Variant Classification Scheme 2023. Collection method: clinical testing. Allele origin: germline.

NM_020699.4(GATAD2B):c.1270C>T (p.Arg424Cys)

Gene: GATAD2B (GATA zinc finger domain containing 2B; minus strand). Cytogenetic location: 1q21.3.
Variant type: single nucleotide variant.
Coding change: c.1270C>T on transcript NM_020699.4 (MANE Select); coding-DNA position 1270, C replaced by T.
Protein change: p.Arg424Cys; replaces arginine 424 with cysteine.
Molecular consequence: missense variant.
Genome position (GRCh38, 1-based): chr1:153,813,399, G>A on the plus strand (C>T on the coding strand, the complement: GATAD2B is on the minus strand). VCF-style: chr1-153813399-G-A. GRCh37 (hg19) VCF-style: chr1-153785875-G-A.
Other names: c.1270C>T (NM_020699.2); short protein forms R424C.
Identifiers: ClinVar variation 1410043 (VCV001410043.7), dbSNP rs368264266, ClinGen allele CA1120670.